The following is an entry in ClinVar:

NM_000038.6(APC):c.4659A>C (p.Ala1553=)

Gene: APC (APC regulator of Wnt signaling pathway; plus strand). Cytogenetic location: 5q22.2.
Variant type: single nucleotide variant.
Coding change: c.4659A>C on transcript NM_000038.6 (MANE Select); coding-DNA position 4659, A replaced by C.
Protein change: p.Ala1553=; no amino-acid change (alanine 1553 retained).
Molecular consequence: synonymous variant. On other transcripts: non-coding transcript variant (2).
Genome position (GRCh38, 1-based): chr5:112,840,253, A>C. VCF-style: chr5-112840253-A-C. GRCh37 (hg19) VCF-style: chr5-112175950-A-C.
Other names: c.4659A>C, p.Ala1553= (NM_001127510.3, NM_001354895.2, NM_001407450.1); c.4605A>C, p.Ala1535= (NM_001127511.3); c.4713A>C, p.Ala1571= (NM_001354896.2, NM_001407447.1, NM_001407448.1 and 1 more transcripts); c.4689A>C, p.Ala1563= (NM_001354897.2); c.4584A>C, p.Ala1528= (NM_001354898.2); c.4575A>C, p.Ala1525= (NM_001354899.2); c.4536A>C, p.Ala1512= (NM_001354900.2); c.4482A>C, p.Ala1494= (NM_001354901.2, NM_001407453.1); and 11 more.
Identifiers: ClinVar variation 2692715 (VCV002692715.4), dbSNP rs2149920334, ClinGen allele CA446206649.

ClinVar aggregate classification (germline): Benign/Likely benign. Review status: criteria provided, multiple submitters, no conflicts (2 of 4 stars). 2 submissions from 2 submitters: Benign (1); Likely benign (1). Last evaluated 2024-03-27.

Conditions:
Familial adenomatous polyposis 1 (FAP1). Also called: FAMILIAL ADENOMATOUS POLYPOSIS 1, ATTENUATED; POLYPOSIS, ADENOMATOUS INTESTINAL. Identifiers: MedGen C2713442, MONDO:0021056, OMIM 175100. Disease mechanism: loss of function.

gnomAD v4.1: 1 of 1,614,228 alleles (0.000062%); highest among the groups gnomAD compares: Non-Finnish European, 0.000085%; no homozygotes.

Submissions (2):

Myriad Genetics, Inc.
Classification: Benign for Familial adenomatous polyposis 1. Last evaluated: 2024-03-27. Review status: criteria provided, single submitter. Criteria: Myriad Autosomal Dominant, Autosomal Recessive and X-Linked Classification Criteria (2023). Collection method: clinical testing. Allele origin: unknown.
Comment: This variant is considered benign. This variant is a silent/synonymous amino acid change and it is not expected to impact splicing.

Labcorp Genetics (formerly Invitae), Labcorp
Classification: Likely benign for Familial adenomatous polyposis 1. Last evaluated: 2023-11-02. Review status: criteria provided, single submitter. Criteria: Invitae Variant Classification Sherloc (09022015). Collection method: clinical testing. Allele origin: germline.